The following is an entry in ClinVar:

NM_006767.4(LZTR1):c.2423C>T (p.Thr808Ile)

Gene: LZTR1 (leucine zipper like post translational regulator 1; plus strand). Cytogenetic location: 22q11.21.
Variant type: single nucleotide variant.
Coding change: c.2423C>T on transcript NM_006767.4 (MANE Select); coding-DNA position 2423, C replaced by T.
Protein change: p.Thr808Ile; replaces threonine 808 with isoleucine.
Molecular consequence: missense variant.
Genome position (GRCh38, 1-based): chr22:20,997,248, C>T. VCF-style: chr22-20997248-C-T. GRCh37 (hg19) VCF-style: chr22-21351537-C-T.
Other names: short protein forms T808I.
Identifiers: ClinVar variation 1791046 (VCV001791046.9), dbSNP rs1041569569, ClinGen allele CA410781534.
Genomic context (GRCh38, chr22:20,997,248, plus strand): 5'-AGGTGGATCTGGTCCCATCTCCTTCCGGCCTGCTTGCCTTACAGGTCTCCAAGTTGCCCA[C>T]CCTGCGGTCGCTGAGCCAGCAGCTGCTGCTGGACATCATAGACTCCCTGGCCTCCCACAT-3'
Protein context (NP_006758.2, residues 798-818): HQFTKVSKLP[Thr808Ile]LRSLSQQLLL

ClinVar aggregate classification (germline): Uncertain significance. Review status: criteria provided, multiple submitters, no conflicts (2 of 4 stars). 3 submissions from 3 submitters: Uncertain significance (3). Last evaluated 2025-10-17.

Conditions:
Hereditary cancer-predisposing syndrome. Also called: Hereditary Cancer Syndrome; Hereditary neoplastic syndrome; Tumor predisposition; Neoplastic Syndromes, Hereditary. Identifiers: Orphanet 140162, MedGen C0027672, MeSH D009386, MONDO:0015356.
Cardiovascular phenotype. Identifiers: MedGen CN230736.

gnomAD v4.1: 14 of 1,613,528 alleles (0.00087%); highest among the groups gnomAD compares: Non-Finnish European, 0.0012%; no homozygotes.

Submissions (3):

Labcorp Genetics (formerly Invitae), Labcorp
Classification: Uncertain significance. Last evaluated: 2025-10-17. Review status: criteria provided, single submitter. Criteria: Invitae Variant Classification Sherloc (09022015). Collection method: clinical testing. Allele origin: germline.
Comment: This sequence change replaces threonine, which is neutral and polar, with isoleucine, which is neutral and non-polar, at codon 808 of the LZTR1 protein (p.Thr808Ile). This variant is present in population databases (no rsID available, gnomAD 0.0009%). This variant has not been reported in the literature in individuals affected with LZTR1-related conditions. ClinVar contains an entry for this variant (Variation ID: 1791046). Invitae Evidence Modeling of protein sequence and biophysical properties (such as structural, functional, and spatial information, amino acid conservation, physicochemical variation, residue mobility, and thermodynamic stability) indicates that this missense variant is not expected to disrupt LZTR1 protein function with a negative predictive value of 80%. In summary, the available evidence is currently insufficient to determine the role of this variant in disease. Therefore, it has been classified as a Variant of Uncertain Significance.

Ambry Genetics
Classification: Uncertain significance for Cardiovascular phenotype; Hereditary cancer-predisposing syndrome. Last evaluated: 2025-03-08. Review status: criteria provided, single submitter. Criteria: Ambry Variant Classification Scheme 2023. Collection method: clinical testing. Allele origin: germline.
Comment: The p.T808I variant (also known as c.2423C>T), located in coding exon 21 of the LZTR1 gene, results from a C to T substitution at nucleotide position 2423. The threonine at codon 808 is replaced by isoleucine, an amino acid with similar properties. This amino acid position is well conserved in available vertebrate species. In addition, this alteration is predicted to be tolerated by in silico analysis. Based on the available evidence, the clinical significance of this alteration remains unclear.

GeneDx
Classification: Uncertain significance. Last evaluated: 2022-11-02. Review status: criteria provided, single submitter. Criteria: GeneDx Variant Classification Process June 2021. Collection method: clinical testing. Allele origin: germline. Affected: yes.
Comment: Not observed at significant frequency in large population cohorts (gnomAD); In silico analysis supports that this missense variant does not alter protein structure/function; Has not been previously published as pathogenic or benign to our knowledge